The following is an entry in ClinVar:

ClinVar aggregate classification (germline): Uncertain significance. Review status: criteria provided, multiple submitters, no conflicts (2 of 4 stars). 3 submissions from 3 submitters: Uncertain significance (3). Last evaluated 2025-04-13.

Conditions:
Inborn genetic diseases. Identifiers: MedGen C0950123, MeSH D030342.

Allele frequency attached by ClinVar (database versions not stated): gnomAD 0.00005 and 0.00006; gnomAD exomes 0.00005; TOPMed 0.00007.

Submissions (3):

Ambry Genetics
Classification: Uncertain significance for Inborn genetic diseases. Last evaluated: 2025-04-13. Review status: criteria provided, single submitter. Criteria: Ambry Variant Classification Scheme 2023. Collection method: clinical testing. Allele origin: germline.

Blueprint Genetics
Classification: Uncertain significance. Last evaluated: 2024-02-21. Review status: criteria provided, single submitter. Criteria: ACMG Guidelines, 2015. Collection method: clinical testing. Allele origin: germline.

Labcorp Genetics (formerly Invitae), Labcorp
Classification: Uncertain significance. Last evaluated: 2022-10-18. Review status: criteria provided, single submitter. Criteria: Invitae Variant Classification Sherloc (09022015). Collection method: clinical testing. Allele origin: germline.
Comment: This sequence change replaces glycine, which is neutral and non-polar, with serine, which is neutral and polar, at codon 24 of the ABHD12 protein (p.Gly24Ser). This variant is present in population databases (no rsID available, gnomAD 0.01%). This variant has not been reported in the literature in individuals affected with ABHD12-related conditions. ClinVar contains an entry for this variant (Variation ID: 1037229). Algorithms developed to predict the effect of missense changes on protein structure and function output the following: SIFT: "Deleterious"; PolyPhen-2: "Benign"; Align-GVGD: "Class C0". The serine amino acid residue is found in multiple mammalian species, which suggests that this missense change does not adversely affect protein function. In summary, the available evidence is currently insufficient to determine the role of this variant in disease. Therefore, it has been classified as a Variant of Uncertain Significance.

NM_001042472.3(ABHD12):c.70G>A (p.Gly24Ser)

Genes: ABHD12 (abhydrolase domain containing 12, lysophospholipase; minus strand), LOC130065586 (ATAC-STARR-seq lymphoblastoid silent region 12752; plus strand). Cytogenetic location: 20p11.21.
Variant type: single nucleotide variant.
Coding change: c.70G>A on transcript NM_001042472.3 (MANE Select); coding-DNA position 70, G replaced by A.
Protein change: p.Gly24Ser; replaces glycine 24 with serine.
Molecular consequence: missense variant.
Genome position (GRCh38, 1-based): chr20:25,390,634, C>T on the plus strand (G>A on the coding strand, the complement: ABHD12 is on the minus strand). VCF-style: chr20-25390634-C-T. GRCh37 (hg19) VCF-style: chr20-25371270-C-T.
Other names: c.70G>A (NM_001042472.2); c.70G>A, p.Gly24Ser (NM_015600.5); short protein forms G24S.
Identifiers: ClinVar variation 1037229 (VCV001037229.7), dbSNP rs937242431, ClinGen allele CA313686179.